The following is an entry in ClinVar:

ClinVar aggregate classification (germline): Uncertain significance. Review status: criteria provided, multiple submitters, no conflicts (2 of 4 stars). 3 submissions from 3 submitters: Uncertain significance (2). 1 of the submissions does not count toward it. Last evaluated 2022-05-25.

Conditions:
Early-infantile DEE. Also called: Early infantile epileptic encephalopathy; Ohtahara syndrome; Early infantile epileptic encephalopathy with suppression bursts. Identifiers: Orphanet 1934, MedGen C0393706, MONDO:0800491.
Generalized epilepsy. Identifiers: MedGen C0014548, MONDO:0100574.

Allele frequency attached by ClinVar (database versions not stated): gnomAD exomes 0.00001.
gnomAD v4.1: 5 of 1,614,176 alleles (0.00031%); highest among the groups gnomAD compares: Non-Finnish European, 0.00042%; no homozygotes.

Submissions (3):

Blueprint Genetics
Classification: Uncertain significance. Last evaluated: 2022-05-25. Review status: criteria provided, single submitter. Criteria: ACMG Guidelines, 2015. Collection method: clinical testing. Allele origin: germline.

Labcorp Genetics (formerly Invitae), Labcorp
Classification: Uncertain significance for Early-infantile DEE. Last evaluated: 2022-02-09. Review status: criteria provided, single submitter. Criteria: Invitae Variant Classification Sherloc (09022015). Collection method: clinical testing. Allele origin: germline.
Comment: Algorithms developed to predict the effect of missense changes on protein structure and function are either unavailable or do not agree on the potential impact of this missense change (SIFT: "Deleterious"; PolyPhen-2: "Possibly Damaging"; Align-GVGD: "Class C15"). This sequence change replaces methionine, which is neutral and non-polar, with valine, which is neutral and non-polar, at codon 973 of the SCN1A protein (p.Met973Val). This variant is not present in population databases (gnomAD no frequency). This missense change has been observed in individual(s) with SCN1A-related conditions (PMID: 17347258). ClinVar contains an entry for this variant (Variation ID: 68526). This variant disrupts the p.Met973 amino acid residue in SCN1A. Other variant(s) that disrupt this residue have been determined to be pathogenic (PMID: 18930999). This suggests that this residue is clinically significant, and that variants that disrupt this residue are likely to be disease-causing. In summary, the available evidence is currently insufficient to determine the role of this variant in disease. Therefore, it has been classified as a Variant of Uncertain Significance.

UniProtKB/Swiss-Prot
No classification provided. Review status: no classification provided. Collection method: not provided. Allele origin: unknown. Not counted in ClinVar's aggregate classification.

Literature cited by the submitters: PubMed 17347258 (cited by Labcorp Genetics (formerly Invitae), Labcorp); PubMed 18930999 (cited by Labcorp Genetics (formerly Invitae), Labcorp).

NM_001165963.4(SCN1A):c.2917A>G (p.Met973Val)

Gene: SCN1A (sodium voltage-gated channel alpha subunit 1; minus strand). Cytogenetic location: 2q24.3.
Variant type: single nucleotide variant.
Coding change: c.2917A>G on transcript NM_001165963.4 (MANE Select); coding-DNA position 2917, A replaced by G.
Protein change: p.Met973Val; replaces methionine 973 with valine.
Molecular consequence: missense variant. On other transcripts: non-coding transcript variant (1).
Genome position (GRCh38, 1-based): chr2:166,037,805, T>C on the plus strand (A>G on the coding strand, the complement: SCN1A is on the minus strand). VCF-style: chr2-166037805-T-C. GRCh37 (hg19) VCF-style: chr2-166894315-T-C.
Other names: c.2833A>G, p.Met945Val (NM_001165964.3, NM_001353957.2, NM_001353958.2); c.2917A>G, p.Met973Val (NM_001202435.3, NM_001353948.2); c.2884A>G, p.Met962Val (NM_001353949.2, NM_001353950.2, NM_001353951.2 and 2 more transcripts); c.2881A>G, p.Met961Val (NM_001353954.2, NM_001353955.2); c.2830A>G, p.Met944Val (NM_001353960.2); c.475A>G, p.Met159Val (NM_001353961.2); short protein forms M962V, M973V, M945V, M944V, M961V, M159V.
Identifiers: ClinVar variation 68526 (VCV000068526.9), dbSNP rs121917991, ClinGen allele CA145239.